The following is an entry in ClinVar:

NM_198576.4(AGRN):c.4498G>A (p.Glu1500Lys)

Gene: AGRN (agrin; plus strand). Cytogenetic location: 1p36.33.
Variant type: single nucleotide variant.
Coding change: c.4498G>A on transcript NM_198576.4 (MANE Select); coding-DNA position 4498, G replaced by A.
Protein change: p.Glu1500Lys; replaces glutamic acid 1500 with lysine.
Molecular consequence: missense variant.
Genome position (GRCh38, 1-based): chr1:1,049,435, G>A. VCF-style: chr1-1049435-G-A. GRCh37 (hg19) VCF-style: chr1-984815-G-A.
Other names: c.4498G>A, p.Glu1500Lys (NM_001305275.2); c.4183G>A, p.Glu1395Lys (NM_001364727.2); c.4498G>A (NM_198576.3); short protein forms E1395K, E1500K.
Identifiers: ClinVar variation 2037500 (VCV002037500.2), dbSNP rs200870228, ClinGen allele CA509479.
Genomic context (GRCh38, chr1:1,049,435, plus strand): 5'-AGTCCCAGTGGCACCGACGGCCTCAACCTGGACACAGACCTCTTTGTGGGCGGCGTACCC[G>A]AGGACCAGGCTGCCGTGTGAGTCCCTTGGAGGGTGGTGTGGCCCCGACCCCGGCCCTTTG-3'
Protein context (NP_940978.2, residues 1490-1510): DTDLFVGGVP[Glu1500Lys]DQAAVALERT

ClinVar aggregate classification (germline): Uncertain significance. Review status: criteria provided, multiple submitters, no conflicts (2 of 4 stars). 2 submissions from 2 submitters: Uncertain significance (2). Last evaluated 2024-07-27.

Conditions:
Inborn genetic diseases. Identifiers: MedGen C0950123, MeSH D030342.
Congenital myasthenic syndrome 8. Also called: Myasthenic syndrome, congenital, 8, with pre- and postsynaptic defects; MYASTHENIC SYNDROME, CONGENITAL, DUE TO AGRIN DEFICIENCY. Identifiers: Orphanet 590, MedGen C3808739, MONDO:0014052, OMIM 615120.

Allele frequency attached by ClinVar (database versions not stated): TOPMed 0.00002; gnomAD 0.00004; ExAC 0.00013.
gnomAD v4.1: 53 of 1,599,384 alleles (0.0033%); highest among the groups gnomAD compares: South Asian, 0.011%; no homozygotes.

Submissions (2):

Ambry Genetics
Classification: Uncertain significance for Inborn genetic diseases. Last evaluated: 2024-07-27. Review status: criteria provided, single submitter. Criteria: Ambry Variant Classification Scheme 2023. Collection method: clinical testing. Allele origin: germline.

Labcorp Genetics (formerly Invitae), Labcorp
Classification: Uncertain significance for Congenital myasthenic syndrome 8. Last evaluated: 2022-11-01. Review status: criteria provided, single submitter. Criteria: Invitae Variant Classification Sherloc (09022015). Collection method: clinical testing. Allele origin: germline.
Comment: This sequence change replaces glutamic acid, which is acidic and polar, with lysine, which is basic and polar, at codon 1500 of the AGRN protein (p.Glu1500Lys). This variant is present in population databases (rs200870228, gnomAD 0.03%). This variant has not been reported in the literature in individuals affected with AGRN-related conditions. Algorithms developed to predict the effect of missense changes on protein structure and function are either unavailable or do not agree on the potential impact of this missense change (SIFT: "Deleterious"; PolyPhen-2: "Benign"; Align-GVGD: "Class C0"). In summary, the available evidence is currently insufficient to determine the role of this variant in disease. Therefore, it has been classified as a Variant of Uncertain Significance.